The following is an entry in ClinVar:

ClinVar aggregate classification (germline): Uncertain significance (1 of 4 stars; one submission).

Conditions:
Early-infantile DEE. Also called: Early infantile epileptic encephalopathy with suppression bursts; Early infantile epileptic encephalopathy; Ohtahara syndrome. Identifiers: Orphanet 1934, MedGen C0393706, MONDO:0800491.

Submission:

Labcorp Genetics (formerly Invitae), Labcorp
Classification: Uncertain significance for Early-infantile DEE. Last evaluated: 2023-10-18. Review status: criteria provided, single submitter. Criteria: Invitae Variant Classification Sherloc (09022015). Collection method: clinical testing. Allele origin: germline.
Comment: This sequence change replaces arginine, which is basic and polar, with leucine, which is neutral and non-polar, at codon 88 of the HCN1 protein (p.Arg88Leu). This variant is not present in population databases (gnomAD no frequency). This variant has not been reported in the literature in individuals affected with HCN1-related conditions. ClinVar contains an entry for this variant (Variation ID: 1461921). Advanced modeling of protein sequence and biophysical properties (such as structural, functional, and spatial information, amino acid conservation, physicochemical variation, residue mobility, and thermodynamic stability) performed at Invitae indicates that this missense variant is not expected to disrupt HCN1 protein function. In summary, the available evidence is currently insufficient to determine the role of this variant in disease. Therefore, it has been classified as a Variant of Uncertain Significance.

NM_021072.4(HCN1):c.263G>T (p.Arg88Leu)

Gene: HCN1 (hyperpolarization activated cyclic nucleotide gated potassium channel 1; minus strand). Cytogenetic location: 5p12.
Variant type: single nucleotide variant.
Coding change: c.263G>T on transcript NM_021072.4 (MANE Select); coding-DNA position 263, G replaced by T.
Protein change: p.Arg88Leu; replaces arginine 88 with leucine.
Molecular consequence: missense variant.
Genome position (GRCh38, 1-based): chr5:45,695,831, C>A on the plus strand (G>T on the coding strand, the complement: HCN1 is on the minus strand). VCF-style: chr5-45695831-C-A. GRCh37 (hg19) VCF-style: chr5-45695933-C-A.
Other names: short protein forms R88L.
Identifiers: ClinVar variation 1461921 (VCV001461921.7), dbSNP rs1173138693, ClinGen allele CA359706407.
Genomic context (GRCh38, chr5:45,695,831, plus strand): 5'-TTGTTGACCCCGGGCTGCAGCATGGAGGTGAACTGCCTCTGCATGAAGCCGTACTGCCGC[C>A]GGGGCCCCTCGGCGTCTTCGAAGCCCCCCGCCGGCTCCTCGCCGCCGCCGCCGCCGCCGC-3'
Protein context (NP_066550.2, residues 78-98): AGGFEDAEGP[Arg88Leu]RQYGFMQRQF